The following is an entry in ClinVar:

ClinVar aggregate classification (germline): Benign/Likely benign. Review status: criteria provided, multiple submitters, no conflicts (2 of 4 stars). 4 submissions from 4 submitters: Benign (3); Likely benign (1). Last evaluated 2025-04-09.

Allele frequency attached by ClinVar (database versions not stated): gnomAD exomes 0.00043 and 0.00124; ExAC 0.00158; gnomAD 0.00466 and 0.00494; TOPMed 0.00510; 1000 Genomes Project 0.00599; 1000 Genomes Project 30x 0.00609; ESP Exome Variant Server 0.00646.
gnomAD v4.1: 1,373 of 1,614,128 alleles (0.085%); highest among the groups gnomAD compares: African/African-American, 1.6%; 11 homozygotes.

Submissions (4):

Molecular Diagnostic Laboratory for Inherited Cardiovascular Disease, Montreal Heart Institute
Classification: Benign. Last evaluated: 2025-04-09. Review status: criteria provided, single submitter. Criteria: ACMG Guidelines, 2015. Collection method: clinical testing. Allele origin: germline. Affected: no.
Comment: BS1;BP6;BP7

Blueprint Genetics
Classification: Likely benign. Last evaluated: 2024-11-13. Review status: criteria provided, single submitter. Criteria: ACMG Guidelines, 2015. Collection method: clinical testing. Allele origin: germline.

Labcorp Genetics (formerly Invitae), Labcorp
Classification: Benign. Last evaluated: 2018-10-10. Review status: criteria provided, single submitter. Criteria: Invitae Variant Classification Sherloc (09022015). Collection method: clinical testing. Allele origin: germline.

Breakthrough Genomics
Classification: Benign. Review status: criteria provided, single submitter. Criteria: ACMG Guidelines, 2015. Collection method: not provided. Allele origin: germline. Inheritance: Autosomal dominant inheritance. Affected: yes.

NM_001281740.3(FHOD3):c.918G>A (p.Gly306=)

Gene: FHOD3 (formin homology 2 domain containing 3; plus strand). Cytogenetic location: 18q12.2.
Variant type: single nucleotide variant.
Coding change: c.918G>A on transcript NM_001281740.3 (MANE Select); coding-DNA position 918, G replaced by A.
Protein change: p.Gly306=; no amino-acid change (glycine 306 retained).
Molecular consequence: synonymous variant.
Genome position (GRCh38, 1-based): chr18:36,612,056, G>A. VCF-style: chr18-36612056-G-A. GRCh37 (hg19) VCF-style: chr18-34192019-G-A.
Other names: c.918G>A, p.Gly306= (NM_001281739.3, NM_025135.5).
Identifiers: ClinVar variation 713615 (VCV000713615.6), dbSNP rs61735990, ClinGen allele CA8941459.